The following is an entry in ClinVar:

ClinVar aggregate classification (germline): Uncertain significance (1 of 4 stars; one submission).

gnomAD v4.1: 14 of 1,612,978 alleles (0.00087%); highest among the groups gnomAD compares: Non-Finnish European, 0.001%; no homozygotes.

Submission:

Labcorp Genetics (formerly Invitae), Labcorp
Classification: Uncertain significance. Last evaluated: 2024-11-04. Review status: criteria provided, single submitter. Criteria: Invitae Variant Classification Sherloc (09022015). Collection method: clinical testing. Allele origin: germline.
Comment: This sequence change replaces serine, which is neutral and polar, with asparagine, which is neutral and polar, at codon 741 of the TCIRG1 protein (p.Ser741Asn). This variant is present in population databases (rs769184155, gnomAD 0.0009%). This variant has not been reported in the literature in individuals affected with TCIRG1-related conditions. Invitae Evidence Modeling of protein sequence and biophysical properties (such as structural, functional, and spatial information, amino acid conservation, physicochemical variation, residue mobility, and thermodynamic stability) indicates that this missense variant is expected to disrupt TCIRG1 protein function with a positive predictive value of 80%. In summary, the available evidence is currently insufficient to determine the role of this variant in disease. Therefore, it has been classified as a Variant of Uncertain Significance.

NM_006019.4(TCIRG1):c.2222G>A (p.Ser741Asn)

Gene: TCIRG1 (T cell immune regulator 1, ATPase H+ transporting V0 subunit a3; plus strand). Cytogenetic location: 11q13.2.
Variant type: single nucleotide variant.
Coding change: c.2222G>A on transcript NM_006019.4 (MANE Select); coding-DNA position 2222, G replaced by A.
Protein change: p.Ser741Asn; replaces serine 741 with asparagine.
Molecular consequence: missense variant.
Genome position (GRCh38, 1-based): chr11:68,050,240, G>A. VCF-style: chr11-68050240-G-A. GRCh37 (hg19) VCF-style: chr11-67817707-G-A.
Other names: c.1328G>A, p.Ser443Asn (NM_001351059.2); c.1574G>A, p.Ser525Asn (NM_006053.4); short protein forms S443N, S525N, S741N.
Identifiers: ClinVar variation 3609690 (VCV003609690.2).
Genomic context (GRCh38, chr11:68,050,240, plus strand): 5'-TCGAGTTCTGCCTGGGCTGCGTCTCCAACACCGCCTCCTACCTGCGCCTGTGGGCCCTGA[G>A]CCTGGCCCACGCCCGTGAGTGACCTGGCCACCGACGGCTGGCCCCAGCTCCTGGCTTCTC-3'
Protein context (NP_006010.2, residues 731-751): TASYLRLWAL[Ser741Asn]LAHAQLSEVL